The following is an entry in ClinVar:

ClinVar aggregate classification (germline): Pathogenic (1 of 4 stars; one submission).

Conditions:
Neurofibromatosis, type 2 (SWNV). Also called: BILATERAL ACOUSTIC NEUROFIBROMATOSIS; NF2-Related Schwannomatosis; SCHWANNOMATOSIS, VESTIBULAR. Identifiers: Orphanet 637, MedGen C0027832, MONDO:0007039, OMIM 101000. Disease mechanism: loss of function.

Submission:

Labcorp Genetics (formerly Invitae), Labcorp
Classification: Pathogenic for Neurofibromatosis, type 2. Last evaluated: 2021-05-01. Review status: criteria provided, single submitter. Criteria: Invitae Variant Classification Sherloc (09022015). Collection method: clinical testing. Allele origin: germline.
Comment: Loss-of-function variants in NF2 are known to be pathogenic (PMID: 9643284, 16983642). For these reasons, this variant has been classified as Pathogenic. This variant has not been reported in the literature in individuals with NF2-related disease. ClinVar contains an entry for this variant (Variation ID: 640644). This variant is not present in population databases (ExAC no frequency). This sequence change creates a premature translational stop signal (p.Glu335*) in the NF2 gene. It is expected to result in an absent or disrupted protein product.

Literature cited by the submitters: PubMed 9643284; PubMed 16983642.

NM_000268.4(NF2):c.1003G>T (p.Glu335Ter)

Gene: NF2 (NF2, moesin-ezrin-radixin like (MERLIN) tumor suppressor; plus strand). Cytogenetic location: 22q12.2.
Variant type: single nucleotide variant.
Coding change: c.1003G>T on transcript NM_000268.4 (MANE Select); coding-DNA position 1003, G replaced by T.
Protein change: p.Glu335Ter; replaces glutamic acid 335 with a stop codon.
Molecular consequence: nonsense. On other transcripts: non-coding transcript variant (1), intron variant (1).
Genome position (GRCh38, 1-based): chr22:29,671,829, G>T. VCF-style: chr22-29671829-G-T. GRCh37 (hg19) VCF-style: chr22-30067818-G-T.
Other names: c.1003G>T, p.Glu335Ter (NM_016418.5, NM_181825.3, NM_181832.3); c.877G>T, p.Glu293Ter (NM_181828.3); c.880G>T, p.Glu294Ter (NM_181829.3); c.754G>T, p.Glu252Ter (NM_181830.3, NM_181831.3); c.448-22923G>T (NM_181833.3); short protein forms E252*, E293*, E294*, E335*.
Identifiers: ClinVar variation 640644 (VCV000640644.7), dbSNP rs1601643866, ClinGen allele CA411146667.